The following is an entry in ClinVar:

NM_005051.3(QARS1):c.451+18C>T

Gene: QARS1 (glutaminyl-tRNA synthetase 1; minus strand). Cytogenetic location: 3p21.31.
Variant type: single nucleotide variant.
Coding change: c.451+18C>T on transcript NM_005051.3 (MANE Select); 18 bases into the intron after coding-DNA position 451, C replaced by T.
Molecular consequence: intron variant.
Genome position (GRCh38, 1-based): chr3:49,103,613, G>A on the plus strand (C>T on the coding strand, the complement: QARS1 is on the minus strand). VCF-style: chr3-49103613-G-A. GRCh37 (hg19) VCF-style: chr3-49141046-G-A.
Other names: c.418+18C>T (NM_001272073.2).
Identifiers: ClinVar variation 382934 (VCV000382934.9), dbSNP rs202145473, ClinGen allele CA2392167.

ClinVar aggregate classification (germline): Likely benign. Review status: criteria provided, multiple submitters, no conflicts (2 of 4 stars). 3 submissions from 3 submitters: Likely benign (3). Last evaluated 2026-01-17.

Conditions:
Diffuse cerebral and cerebellar atrophy - intractable seizures - progressive microcephaly syndrome. Also called: Microcephaly, progressive, with seizures and cerebral and cerebellar atrophy. Identifiers: Orphanet 404437, MedGen C4014239, MONDO:0014335, OMIM 615760.

Allele frequency attached by ClinVar (database versions not stated): gnomAD 0.00005 and 0.00007; gnomAD exomes 0.00008 and 0.00011; ExAC 0.00009; TOPMed 0.00013.
gnomAD v4.1: 140 of 1,611,304 alleles (0.0087%); highest among the groups gnomAD compares: Middle Eastern, 1.1%; 1 homozygote.

Submissions (3):

Labcorp Genetics (formerly Invitae), Labcorp
Classification: Likely benign for Diffuse cerebral and cerebellar atrophy - intractable seizures - progressive microcephaly syndrome. Last evaluated: 2026-01-17. Review status: criteria provided, single submitter. Criteria: Invitae Variant Classification Sherloc (09022015). Collection method: clinical testing. Allele origin: germline.

ARUP Laboratories, Molecular Genetics and Genomics, ARUP Laboratories
Classification: Likely benign for Diffuse cerebral and cerebellar atrophy - intractable seizures - progressive microcephaly syndrome. Last evaluated: 2024-05-01. Review status: criteria provided, single submitter. Criteria: ARUP Molecular Germline Variant Investigation Process 2024. Collection method: clinical testing. Allele origin: germline.

GeneDx
Classification: Likely benign. Last evaluated: 2018-01-22. Review status: criteria provided, single submitter. Criteria: GeneDx Variant Classification (06012015). Collection method: clinical testing. Allele origin: germline. Affected: yes.
Comment: This variant is considered likely benign or benign based on one or more of the following criteria: it is a conservative change, it occurs at a poorly conserved position in the protein, it is predicted to be benign by multiple in silico algorithms, and/or has population frequency not consistent with disease.